The following is an entry in ClinVar:

NM_022765.4(MICAL1):c.2599_2601del (p.Lys867del)

Gene: MICAL1 (microtubule associated monooxygenase, calponin and LIM domain containing 1; minus strand). Cytogenetic location: 6q21.
Variant type: Deletion.
Coding change: c.2599_2601del on transcript NM_022765.4 (MANE Select); coding-DNA positions 2599 to 2601, 3 bases deleted (AAG; older notation c.2599_2601delAAG).
Protein change: p.Lys867del; deletes lysine 867.
Molecular consequence: inframe deletion.
Genome position (GRCh38, 1-based): chr6:109,445,843-109,445,845, CTT deleted on the plus strand (AAG on the coding strand, the reverse complement: MICAL1 is on the minus strand); deleting any 3 consecutive bases within chr6:109,445,843-109,445,847 gives the same sequence; the c. name uses the placement nearest the transcript's 3' end. VCF-style (leftmost placement, unchanged base first): chr6-109445842-CCTT-C. GRCh37 (hg19) VCF-style: chr6-109767045-CCTT-C.
Other names: c.2341_2343del, p.Lys781del (NM_001159291.2); c.2656_2658del, p.Lys886del (NM_001286613.2); short protein forms K867del, K886del, K781del.
Identifiers: ClinVar variation 2168585 (VCV002168585.4), dbSNP rs770857072, ClinGen allele CA3952833.

ClinVar aggregate classification (germline): Uncertain significance (1 of 4 stars; one submission).

Submission:

Labcorp Genetics (formerly Invitae), Labcorp
Classification: Uncertain significance. Last evaluated: 2025-12-28. Review status: criteria provided, single submitter. Criteria: Invitae Variant Classification Sherloc (09022015). Collection method: clinical testing. Allele origin: germline.
Comment: This variant, c.2656_2658del, results in the deletion of 1 amino acid(s) of the MICAL1 protein (p.Lys886del), but otherwise preserves the integrity of the reading frame. This variant is present in population databases (rs770857072, gnomAD 0.004%). This variant has not been reported in the literature in individuals affected with MICAL1-related conditions. ClinVar contains an entry for this variant (Variation ID: 2168585). Experimental studies and prediction algorithms are not available or were not evaluated, and the functional significance of this variant is currently unknown. In summary, the available evidence is currently insufficient to determine the role of this variant in disease. Therefore, it has been classified as a Variant of Uncertain Significance.